The following is an entry in ClinVar:

NM_001082486.2(ACD):c.1369C>G (p.Pro457Ala)

Gene: ACD (ACD shelterin complex subunit and telomerase recruitment factor; minus strand). Cytogenetic location: 16q22.1.
Variant type: single nucleotide variant.
Coding change: c.1369C>G on transcript NM_001082486.2 (MANE Select); coding-DNA position 1369, C replaced by G.
Protein change: p.Pro457Ala; replaces proline 457 with alanine.
Molecular consequence: missense variant.
Genome position (GRCh38, 1-based): chr16:67,657,614, G>C on the plus strand (C>G on the coding strand, the complement: ACD is on the minus strand). VCF-style: chr16-67657614-G-C. GRCh37 (hg19) VCF-style: chr16-67691517-G-C.
Other names: c.1282C>G, p.Pro428Ala (NM_001410884.1); c.1360C>G, p.Pro454Ala (NM_022914.3); short protein forms P428A, P457A, P454A.
Identifiers: ClinVar variation 1776723 (VCV001776723.5), dbSNP rs1313859184, ClinGen allele CA396349505.
Genomic context (GRCh38, chr16:67,657,614, plus strand): 5'-AAAAAACTCAAAGGAAGCAGAGTGTGGAGCGGTATCTGTCCTGCGTGACGTCTCACATCG[G>C]AGTTGGCTCAGACCCTGGCTGTGCATCCATCAGAAAGTGCAAGGCCCAGGCCATGAGCTG-3'
Protein context (NP_001075955.2, residues 447-458): MDAQPGSEPT[Pro457Ala]M

ClinVar aggregate classification (germline): Uncertain significance. Review status: criteria provided, multiple submitters, no conflicts (2 of 4 stars). 2 submissions from 2 submitters: Uncertain significance (2). Last evaluated 2023-05-17.

Conditions:
Dyskeratosis congenita, autosomal dominant 6 (DKCA6). Identifiers: Orphanet 3322, MedGen C4225284, MONDO:0014690, OMIM 616553.
Inborn genetic diseases. Identifiers: MedGen C0950123, MeSH D030342.

Allele frequency attached by ClinVar (database versions not stated): gnomAD 0.00001; gnomAD exomes 0.00001.
gnomAD v4.1: 13 of 1,614,068 alleles (0.00081%); highest among the groups gnomAD compares: South Asian, 0.0055%; no homozygotes.

Submissions (2):

Labcorp Genetics (formerly Invitae), Labcorp
Classification: Uncertain significance for Dyskeratosis congenita, autosomal dominant 6. Last evaluated: 2023-05-17. Review status: criteria provided, single submitter. Criteria: Invitae Variant Classification Sherloc (09022015). Collection method: clinical testing. Allele origin: germline.
Comment: In summary, the available evidence is currently insufficient to determine the role of this variant in disease. Therefore, it has been classified as a Variant of Uncertain Significance. An algorithm developed to predict the effect of missense changes on protein structure and function (PolyPhen-2) suggests that this variant is likely to be tolerated. ClinVar contains an entry for this variant (Variation ID: 1776723). This variant has not been reported in the literature in individuals affected with ACD-related conditions. This variant is present in population databases (no rsID available, gnomAD 0.003%). This sequence change replaces proline, which is neutral and non-polar, with alanine, which is neutral and non-polar, at codon 543 of the ACD protein (p.Pro543Ala).

Ambry Genetics
Classification: Uncertain significance for Inborn genetic diseases. Last evaluated: 2022-03-08. Review status: criteria provided, single submitter. Criteria: Ambry Variant Classification Scheme 2023. Collection method: clinical testing. Allele origin: germline.
Comment: The p.P543A variant (also known as c.1627C>G), located in coding exon 12 of the ACD gene, results from a C to G substitution at nucleotide position 1627. The proline at codon 543 is replaced by alanine, an amino acid with highly similar properties. This amino acid position is conserved. In addition, this alteration is predicted to be tolerated by in silico analysis. Since supporting evidence is limited at this time, the clinical significance of this alteration remains unclear.